The following is an entry in ClinVar:

NM_139284.3(LGI4):c.2T>C (p.Met1Thr)

Gene: LGI4 (leucine rich repeat LGI family member 4; minus strand). Cytogenetic location: 19q13.12.
Variant type: single nucleotide variant.
Coding change: c.2T>C on transcript NM_139284.3 (MANE Select); coding-DNA position 2, T replaced by C.
Protein change: p.Met1Thr; changes the start codon (methionine 1).
Molecular consequence: missense variant, initiator codon variant.
Genome position (GRCh38, 1-based): chr19:35,134,679, A>G on the plus strand (T>C on the coding strand, the complement: LGI4 is on the minus strand). VCF-style: chr19-35134679-A-G. GRCh37 (hg19) VCF-style: chr19-35625583-A-G.
Other names: short protein forms M1T.
Identifiers: ClinVar variation 585241 (VCV000585241.3), dbSNP rs1207534366, ClinGen allele CA405315627.
Genomic context (GRCh38, chr19:35,134,679, plus strand): 5'-CTCCAGGCCACCACCACCCCCGCCCCAGCCAGCAGCAGCAGCAGAATGCCTGCCCCTCCC[A>G]TGCCCCCACCCCCACTCTGAGGCACCCGCTTCTCCCGGCCCACCCAGCTCAGCCCAGGCC-3'
Protein context (NP_644813.1, residues 1-11): [Met1Thr]GGAGILLLLL

ClinVar aggregate classification (germline): Pathogenic (1 of 4 stars; one submission).

Conditions:
Arthrogryposis multiplex congenita 2, neurogenic type (AMC2). Also called: Neurogenic arthrogryposis multiplex congenita; AMC, NEUROGENIC TYPE. Identifiers: Orphanet 1143, MedGen C5435650, MONDO:0008823, OMIM 208100.

Allele frequency attached by ClinVar (database versions not stated): gnomAD exomes below 0.00001.

Submission:

Department of Medical Genetics, Sanjay Gandhi Post Graduate Institute of Medical Sciences
Classification: Pathogenic for Arthrogryposis multiplex congenita 2, neurogenic type. Review status: criteria provided, single submitter. Criteria: ACMG Guidelines, 2015. Collection method: clinical testing. Allele origin: inherited. Inheritance: Autosomal recessive inheritance. Affected: yes. Observed: 1 homozygote.
Comment: Analysis of the data showed a novel homozygous sequence variant in initiation codon of LGI4 gene (NM_139284.2; LGI4: c.2T>C; M1?) resulting in frameshift. The initiating methionine is lost and possible effect is activation of potential downstream translation initiation site with new reading frame. It is predicted as pathogenic by MutationTaster. This variant is classified as pathogenic which shows strong evidence of pathogenicity according to ACMG guidelines (Richards et al., 2015). This variant is not found in ExAC and 1000G databases. The expression of LGI4 gene in this case is reduced by 50% in patient as compared to healthy control as shown by real time experiment.